The following is an entry in ClinVar:

NM_000540.3(RYR1):c.10883G>A (p.Arg3628His)

Gene: RYR1 (ryanodine receptor 1; plus strand). Cytogenetic location: 19q13.2.
Variant type: single nucleotide variant.
Coding change: c.10883G>A on transcript NM_000540.3 (MANE Select); coding-DNA position 10883, G replaced by A.
Protein change: p.Arg3628His; replaces arginine 3628 with histidine.
Molecular consequence: missense variant.
Genome position (GRCh38, 1-based): chr19:38,528,364, G>A. VCF-style: chr19-38528364-G-A. GRCh37 (hg19) VCF-style: chr19-39019004-G-A.
Other names: c.10868G>A, p.Arg3623His (NM_001042723.2); short protein forms R3628H, R3623H.
Identifiers: ClinVar variation 590373 (VCV000590373.6), dbSNP rs1568541826, ClinGen allele CA405649492.

ClinVar aggregate classification (germline): Uncertain significance. Review status: criteria provided, multiple submitters, no conflicts (2 of 4 stars). 3 submissions from 3 submitters: Uncertain significance (3). Last evaluated 2023-09-05.

Conditions:
RYR1-related disorder. Also called: RYR1-related condition; RYR1-related disorders. Identifiers: MedGen CN239331.

Allele frequency attached by ClinVar (database versions not stated): gnomAD exomes below 0.00001.
gnomAD v4.1: 4 of 1,614,076 alleles (0.00025%); highest among the groups gnomAD compares: Non-Finnish European, 0.00025%; no homozygotes.

Submissions (3):

Labcorp Genetics (formerly Invitae), Labcorp
Classification: Uncertain significance for RYR1-related disorder. Last evaluated: 2023-09-05. Review status: criteria provided, single submitter. Criteria: Invitae Variant Classification Sherloc (09022015). Collection method: clinical testing. Allele origin: germline.
Comment: In summary, the available evidence is currently insufficient to determine the role of this variant in disease. Therefore, it has been classified as a Variant of Uncertain Significance. Advanced modeling of protein sequence and biophysical properties (such as structural, functional, and spatial information, amino acid conservation, physicochemical variation, residue mobility, and thermodynamic stability) performed at Invitae indicates that this missense variant is expected to disrupt RYR1 protein function. ClinVar contains an entry for this variant (Variation ID: 590373). This variant has not been reported in the literature in individuals affected with RYR1-related conditions. This variant is not present in population databases (gnomAD no frequency). This sequence change replaces arginine, which is basic and polar, with histidine, which is basic and polar, at codon 3628 of the RYR1 protein (p.Arg3628His).

Blueprint Genetics
Classification: Uncertain significance. Last evaluated: 2021-09-01. Review status: criteria provided, single submitter. Criteria: ACMG Guidelines, 2015. Collection method: clinical testing. Allele origin: germline.

PreventionGenetics, part of Exact Sciences
Classification: Uncertain significance. Last evaluated: 2016-08-18. Review status: criteria provided, single submitter. Criteria: ACMG Guidelines, 2015. Collection method: clinical testing. Allele origin: germline.